The following is an entry in ClinVar:

NM_020338.4(ZMIZ1):c.1491+2T>A

Gene: ZMIZ1 (zinc finger MIZ-type containing 1; plus strand). Cytogenetic location: 10q22.3.
Variant type: single nucleotide variant.
Coding change: c.1491+2T>A on transcript NM_020338.4 (MANE Select); the canonical splice donor site of the intron after coding-DNA position 1491, T replaced by A.
Molecular consequence: splice donor variant.
Genome position (GRCh38, 1-based): chr10:79,297,692, T>A. VCF-style: chr10-79297692-T-A. GRCh37 (hg19) VCF-style: chr10-81057449-T-A.
Identifiers: ClinVar variation 2126227 (VCV002126227.8), dbSNP rs756309633, ClinGen allele CA5572694.

ClinVar aggregate classification (germline): Conflicting classifications of pathogenicity. Review status: criteria provided, conflicting classifications (1 of 4 stars). 2 submissions from 2 submitters: Likely pathogenic (1); Uncertain significance (1). Last evaluated 2026-01-01.

Allele frequency attached by ClinVar (database versions not stated): gnomAD exomes below 0.00001; TOPMed below 0.00001; ExAC 0.00001.
gnomAD v4.1: 5 of 1,613,230 alleles (0.00031%); highest among the groups gnomAD compares: Admixed American, 0.0083%; no homozygotes.

Submissions (2):

CeGaT Center for Human Genetics Tuebingen
Classification: Uncertain significance. Last evaluated: 2026-01-01. Review status: criteria provided, single submitter. Criteria: CeGaT Center For Human Genetics Tuebingen Variant Classification Criteria Version 2. Collection method: clinical testing. Allele origin: germline. Affected: yes. Observed: 1 variant allele.
Comment: ZMIZ1: PVS1:Moderate

Labcorp Genetics (formerly Invitae), Labcorp
Classification: Likely pathogenic. Last evaluated: 2025-12-24. Review status: criteria provided, single submitter. Criteria: Invitae Variant Classification Sherloc (09022015). Collection method: clinical testing. Allele origin: germline.
Comment: This sequence change affects a donor splice site in intron 14 of the ZMIZ1 gene. It is expected to disrupt RNA splicing. Variants that disrupt the donor or acceptor splice site typically lead to a loss of protein function (PMID: 16199547), and loss-of-function variants in ZMIZ1 are known to be pathogenic (PMID: 30639322). This variant is present in population databases (rs756309633, gnomAD 0.009%). This variant has not been reported in the literature in individuals affected with ZMIZ1-related conditions. ClinVar contains an entry for this variant (Variation ID: 2126227). Algorithms developed to predict the effect of sequence changes on RNA splicing suggest that this variant may disrupt the consensus splice site. In summary, the currently available evidence indicates that the variant is pathogenic, but additional data are needed to prove that conclusively. Therefore, this variant has been classified as Likely Pathogenic.

Literature cited by the submitters: PubMed 16199547 (cited by Labcorp Genetics (formerly Invitae), Labcorp); PubMed 30639322 (cited by Labcorp Genetics (formerly Invitae), Labcorp).